The following is an entry in ClinVar:

ClinVar aggregate classification (germline): Pathogenic. Review status: criteria provided, multiple submitters, no conflicts (2 of 4 stars). 2 submissions from 2 submitters: Pathogenic (2). Last evaluated 2025-11-12.

Conditions:
Cardiovascular phenotype. Identifiers: MedGen CN230736.
Hereditary cancer-predisposing syndrome. Also called: Neoplastic Syndromes, Hereditary; Hereditary Cancer Syndrome; Hereditary neoplastic syndrome; Tumor predisposition. Identifiers: Orphanet 140162, MedGen C0027672, MeSH D009386, MONDO:0015356.
Schwannomatosis. Identifiers: Orphanet 93921, MedGen C1335929, MeSH C536641, MONDO:0008075.
Noonan syndrome 2 (NS2). Identifiers: Orphanet 648, MedGen C1854469, MONDO:0011531, OMIM 605275.

Allele frequency attached by ClinVar (database versions not stated): gnomAD exomes 0.00001.
gnomAD v4.1: 8 of 1,613,624 alleles (0.0005%); highest among the groups gnomAD compares: South Asian, 0.0022%; no homozygotes.

Submissions (2):

Labcorp Genetics (formerly Invitae), Labcorp
Classification: Pathogenic. Last evaluated: 2025-11-12. Review status: criteria provided, single submitter. Criteria: Invitae Variant Classification Sherloc (09022015). Collection method: clinical testing. Allele origin: germline.
Comment: This sequence change creates a premature translational stop signal (p.Gln762*) in the LZTR1 gene. It is expected to result in an absent or disrupted protein product. Loss-of-function variants in LZTR1 are known to be pathogenic (PMID: 24362817, 25335493, 25480913, 25795793, 29469822, 30368668, 30442762, 30442766, 30481304, 30859559). This variant is not present in population databases (gnomAD no frequency). This premature translational stop signal has been observed in individual(s) with schwannomatosis (PMID: 25335493, 25480913). ClinVar contains an entry for this variant (Variation ID: 1457076). For these reasons, this variant has been classified as Pathogenic.

Ambry Genetics
Classification: Pathogenic for Cardiovascular phenotype; Hereditary cancer-predisposing syndrome. Last evaluated: 2023-06-20. Review status: criteria provided, single submitter. Criteria: Ambry Variant Classification Scheme 2023. Collection method: clinical testing. Allele origin: germline.
Comment: The p.Q762* pathogenic mutation (also known as c.2284C>T), located in coding exon 19 of the LZTR1 gene, results from a C to T substitution at nucleotide position 2284. This changes the amino acid from a glutamine to a stop codon within coding exon 19. This mutation has been reported in several patients with multiple schwannomas (Paganini I et al. Eur J Hum Genet, 2015 Jul;23:963-8; Smith MJ et al. Neurology, 2015 Jan;84:141-7). This mutation was also identified in a child diagnosed with an ependymoma of the fourth ventricle (Foss-Skiftesvik J et al. Acta Neuropathol Commun, 2022 Aug;10:123). This alteration is expected to result in loss of function by premature protein truncation or nonsense-mediated mRNA decay. Loss-of-function variants in LZTR1 are related to an increased risk for schwannomas and autosomal recessive Noonan syndrome; however, such associations with autosomal dominant Noonan syndrome have not been observed (Piotrowski A et al. Nat Genet. 2014 Feb;46:182-7; Yamamoto GL et al. J Med Genet. 2015 Jun;52:413-21; Johnston JJ et al. Genet Med. 2018 10;20:1175-1185). Based on the supporting evidence, this variant is pathogenic for an increased risk of LZTR1-related schwannomatosis (SWN) and would be expected to cause autosomal recessive Noonan syndrome when present along with a second pathogenic or likely pathogenic variant on the other allele; however, the association of this alteration with autosomal dominant Noonan syndrome is unlikely.

Literature cited by the submitters: PubMed 24362817 (cited by Labcorp Genetics (formerly Invitae), Labcorp); PubMed 25335493 (cited by Labcorp Genetics (formerly Invitae), Labcorp); PubMed 25480913 (cited by Labcorp Genetics (formerly Invitae), Labcorp); PubMed 25795793 (cited by Labcorp Genetics (formerly Invitae), Labcorp); PubMed 29469822 (cited by Labcorp Genetics (formerly Invitae), Labcorp); PubMed 30368668 (cited by Labcorp Genetics (formerly Invitae), Labcorp); PubMed 30442762 (cited by Labcorp Genetics (formerly Invitae), Labcorp); PubMed 30442766 (cited by Labcorp Genetics (formerly Invitae), Labcorp); PubMed 30481304 (cited by Labcorp Genetics (formerly Invitae), Labcorp); PubMed 30859559 (cited by Labcorp Genetics (formerly Invitae), Labcorp).

NM_006767.4(LZTR1):c.2284C>T (p.Gln762Ter)

Gene: LZTR1 (leucine zipper like post translational regulator 1; plus strand). Cytogenetic location: 22q11.21.
Variant type: single nucleotide variant.
Coding change: c.2284C>T on transcript NM_006767.4 (MANE Select); coding-DNA position 2284, C replaced by T.
Protein change: p.Gln762Ter; replaces glutamine 762 with a stop codon.
Molecular consequence: nonsense.
Genome position (GRCh38, 1-based): chr22:20,996,760, C>T. VCF-style: chr22-20996760-C-T. GRCh37 (hg19) VCF-style: chr22-21351049-C-T.
Other names: c.2284C>T (NM_006767.3); short protein forms Q762*.
Identifiers: ClinVar variation 1457076 (VCV001457076.11), dbSNP rs1924868328, ClinGen allele CA410780861.